The following is an entry in ClinVar:

NM_004984.4(KIF5A):c.*394A>G

Gene: KIF5A (kinesin family member 5A; plus strand). Cytogenetic location: 12q13.3.
Variant type: single nucleotide variant.
Coding change: c.*394A>G on transcript NM_004984.4 (MANE Select); 394 bases downstream of the stop codon, A replaced by G.
Molecular consequence: 3 prime UTR variant.
Genome position (GRCh38, 1-based): chr12:57,584,575, A>G. VCF-style: chr12-57584575-A-G. GRCh37 (hg19) VCF-style: chr12-57978358-A-G.
Other names: c.*394A>G (NM_001354705.2).
Identifiers: ClinVar variation 882169 (VCV000882169.4), dbSNP rs114621289, ClinGen allele CA237792895.
Genomic context (GRCh38, chr12:57,584,575, plus strand): 5'-CTGAGTGGTGTTAGTCACTGAGTAGAGGTCACAGAGATGACAAAAGGAAAAATGGGAGCT[A>G]GAGGGTTGTGACCCTTCATACACACACGCACGCACGCACACAAACATGCACACACGCATG-3'

ClinVar aggregate classification (germline): Benign (1 of 4 stars; one submission).

Conditions:
Hereditary spastic paraplegia 10 (SPG10). Also called: SPASTIC PARAPLEGIA 10 WITH OR WITHOUT PERIPHERAL NEUROPATHY; SPASTIC PARAPLEGIA 10 WITH PERIPHERAL NEUROPATHY; SPASTIC PARAPLEGIA 10, AUTOSOMAL DOMINANT. Identifiers: Orphanet 100991, MedGen C1858712, MONDO:0011408, OMIM 604187.

Allele frequency attached by ClinVar (database versions not stated): gnomAD 0.00816 and 0.00866; TOPMed 0.00856; 1000 Genomes Project 0.00919; 1000 Genomes Project 30x 0.01046.

Submission:

Illumina Laboratory Services, Illumina
Classification: Benign for Hereditary spastic paraplegia 10. Last evaluated: 2018-01-13. Review status: criteria provided, single submitter. Criteria: ICSL Variant Classification Criteria 13 December 2019. Collection method: clinical testing. Allele origin: germline.
Comment: This variant was observed in the ICSL laboratory as part of a predisposition screen in an ostensibly healthy population. It had not been previously curated by ICSL or reported in the Human Gene Mutation Database (HGMD: prior to June 1st, 2018), and was therefore a candidate for classification through an automated scoring system. Utilizing variant allele frequency, disease prevalence and penetrance estimates, and inheritance mode, an automated score was calculated to assess if this variant is too frequent to cause the disease. Based on the score and internal cut-off values, a variant classified as benign is not then subjected to further curation. The score for this variant resulted in a classification of benign for this disease.